The following is an entry in ClinVar:

NM_015693.4(INTU):c.607G>A (p.Gly203Ser)

Gene: INTU (inturned planar cell polarity protein; plus strand). Cytogenetic location: 4q28.1.
Variant type: single nucleotide variant.
Coding change: c.607G>A on transcript NM_015693.4 (MANE Select); coding-DNA position 607, G replaced by A.
Protein change: p.Gly203Ser; replaces glycine 203 with serine.
Molecular consequence: missense variant.
Genome position (GRCh38, 1-based): chr4:127,643,981, G>A. VCF-style: chr4-127643981-G-A. GRCh37 (hg19) VCF-style: chr4-128565136-G-A.
Other names: short protein forms G203S.
Identifiers: ClinVar variation 2185256 (VCV002185256.4), dbSNP rs148393226, ClinGen allele CA3074822.

ClinVar aggregate classification (germline): Uncertain significance (1 of 4 stars; one submission).

Allele frequency attached by ClinVar (database versions not stated): gnomAD exomes 0.00005; ExAC 0.00019; gnomAD 0.00048; ESP Exome Variant Server 0.00062; TOPMed 0.00062.
gnomAD v4.1: 146 of 1,614,046 alleles (0.009%); highest among the groups gnomAD compares: African/African-American, 0.16%; no homozygotes.

Submission:

Labcorp Genetics (formerly Invitae), Labcorp
Classification: Uncertain significance. Last evaluated: 2025-07-02. Review status: criteria provided, single submitter. Criteria: Invitae Variant Classification Sherloc (09022015). Collection method: clinical testing. Allele origin: germline.
Comment: This sequence change replaces glycine, which is neutral and non-polar, with serine, which is neutral and polar, at codon 203 of the INTU protein (p.Gly203Ser). This variant is present in population databases (rs148393226, gnomAD 0.2%), and has an allele count higher than expected for a pathogenic variant. This variant has not been reported in the literature in individuals affected with INTU-related conditions. ClinVar contains an entry for this variant (Variation ID: 2185256). Invitae Evidence Modeling of protein sequence and biophysical properties (such as structural, functional, and spatial information, amino acid conservation, physicochemical variation, residue mobility, and thermodynamic stability) indicates that this missense variant is not expected to disrupt INTU protein function with a negative predictive value of 80%. In summary, the available evidence is currently insufficient to determine the role of this variant in disease. Therefore, it has been classified as a Variant of Uncertain Significance.